The following is an entry in ClinVar:

ClinVar aggregate classification (germline): Likely benign (1 of 4 stars; one submission).

Submission:

GeneDx
Classification: Likely benign. Last evaluated: 2015-12-07. Review status: criteria provided, single submitter. Criteria: GeneDx Variant Classification (06012015). Collection method: clinical testing. Allele origin: germline. Affected: yes.
Comment: This variant is considered likely benign or benign based on one or more of the following criteria: it is a conservative change, it occurs at a poorly conserved position in the protein, it is predicted to be benign by multiple in silico algorithms, and/or has population frequency not consistent with disease.

NM_001378120.1(MBD5):c.913A>G (p.Thr305Ala)

Gene: MBD5 (methyl-CpG binding domain protein 5; plus strand). Cytogenetic location: 2q23.1.
Variant type: single nucleotide variant.
Coding change: c.913A>G on transcript NM_001378120.1 (MANE Select); coding-DNA position 913, A replaced by G.
Protein change: p.Thr305Ala; replaces threonine 305 with alanine.
Molecular consequence: missense variant.
Genome position (GRCh38, 1-based): chr2:148,468,856, A>G. VCF-style: chr2-148468856-A-G. GRCh37 (hg19) VCF-style: chr2-149226425-A-G.
Other names: c.913A>G, p.Thr305Ala (NM_018328.5); short protein forms T305A.
Identifiers: ClinVar variation 382116 (VCV000382116.1), dbSNP rs1057521255, ClinGen allele CA16603827.